The following is an entry in ClinVar:

NM_000548.5(TSC2):c.1946+14C>T

Gene: TSC2 (TSC complex subunit 2; plus strand). Cytogenetic location: 16p13.3.
Variant type: single nucleotide variant.
Coding change: c.1946+14C>T on transcript NM_000548.5 (MANE Select); 14 bases into the intron after coding-DNA position 1946, C replaced by T.
Molecular consequence: intron variant.
Genome position (GRCh38, 1-based): chr16:2,071,630, C>T. VCF-style: chr16-2071630-C-T. GRCh37 (hg19) VCF-style: chr16-2121631-C-T.
Other names: c.1946+14C>T (NM_000548.4, NM_001114382.3, NM_021055.3 and 4 more transcripts); c.1835+14C>T (NM_001318827.2); c.1346+14C>T (NM_001318831.2); c.1799+14C>T (NM_001318829.2); c.1979+14C>T (NM_001318832.2).
Identifiers: ClinVar variation 378782 (VCV000378782.10), dbSNP rs765322549, ClinGen allele CA034661.

ClinVar aggregate classification (germline): Benign/Likely benign. Review status: criteria provided, multiple submitters, no conflicts (2 of 4 stars). 4 submissions from 4 submitters: Benign (1); Likely benign (3). Last evaluated 2026-01-13.

Conditions:
Tuberous sclerosis 2 (TSC2). Identifiers: Orphanet 805, MedGen C1860707, MONDO:0013199, OMIM 613254.

Allele frequency attached by ClinVar (database versions not stated): TOPMed below 0.00001; ExAC 0.00001; gnomAD exomes 0.00001.
gnomAD v4.1: 8 of 1,613,038 alleles (0.0005%); highest among the groups gnomAD compares: Admixed American, 0.005%; no homozygotes.

Submissions (4):

Labcorp Genetics (formerly Invitae), Labcorp
Classification: Likely benign for Tuberous sclerosis 2. Last evaluated: 2026-01-13. Review status: criteria provided, single submitter. Criteria: Invitae Variant Classification Sherloc (09022015). Collection method: clinical testing. Allele origin: germline.

KCCC/NGS Laboratory, Kuwait Cancer Control Center
Classification: Benign for Tuberous sclerosis 2. Last evaluated: 2025-02-01. Review status: criteria provided, single submitter. Criteria: ACMG Guidelines, 2015. Collection method: clinical testing. Allele origin: germline. Affected: no.

Blueprint Genetics
Classification: Likely benign. Last evaluated: 2023-09-26. Review status: criteria provided, single submitter. Criteria: ACMG Guidelines, 2015. Collection method: clinical testing. Allele origin: germline.

GeneDx
Classification: Likely benign. Last evaluated: 2015-11-24. Review status: criteria provided, single submitter. Criteria: GeneDx Variant Classification (06012015). Collection method: clinical testing. Allele origin: germline. Affected: yes.
Comment: This variant is considered likely benign or benign based on one or more of the following criteria: it is a conservative change, it occurs at a poorly conserved position in the protein, it is predicted to be benign by multiple in silico algorithms, and/or has population frequency not consistent with disease.